The following is an entry in ClinVar:

ClinVar aggregate classification (germline): Conflicting classifications of pathogenicity. Review status: criteria provided, conflicting classifications (1 of 4 stars). 4 submissions from 4 submitters: Uncertain significance (1); Likely benign (3). Last evaluated 2024-10-25.

Conditions:
Townes syndrome (TBS). Also called: Townes-Brocks syndrome. Identifiers: Orphanet 857, MedGen C0265246, MeSH C536974, MONDO:0007142.

Allele frequency attached by ClinVar (database versions not stated): TOPMed 0.00002; gnomAD exomes 0.00004 and 0.00006; ExAC 0.00007; gnomAD 0.00007; ESP Exome Variant Server 0.00008.
gnomAD v4.1: 79 of 1,614,056 alleles (0.0049%); highest among the groups gnomAD compares: Admixed American, 0.0067%; no homozygotes.

Submissions (4):

Blueprint Genetics
Classification: Likely benign. Last evaluated: 2024-10-25. Review status: criteria provided, single submitter. Criteria: ACMG Guidelines, 2015. Collection method: clinical testing. Allele origin: germline.

Labcorp Genetics (formerly Invitae), Labcorp
Classification: Likely benign for Townes syndrome. Last evaluated: 2023-10-05. Review status: criteria provided, single submitter. Criteria: Invitae Variant Classification Sherloc (09022015). Collection method: clinical testing. Allele origin: germline.

CeGaT Center for Human Genetics Tuebingen
Classification: Likely benign. Last evaluated: 2022-12-01. Review status: criteria provided, single submitter. Criteria: CeGaT Center For Human Genetics Tuebingen Variant Classification Criteria Version 2. Collection method: clinical testing. Allele origin: germline. Affected: yes. Observed: 1 variant allele.
Comment: SALL1: BP4, BP7

Eurofins Ntd Llc (ga)
Classification: Uncertain significance. Last evaluated: 2017-08-09. Review status: criteria provided, single submitter. Criteria: EGL Classification Definitions 2015. Collection method: clinical testing. Allele origin: germline. Observed: 1 variant allele, 1 heterozygote.

NM_002968.3(SALL1):c.3270C>T (p.Asn1090=)

Gene: SALL1 (spalt like transcription factor 1; minus strand). Cytogenetic location: 16q12.1.
Variant type: single nucleotide variant.
Coding change: c.3270C>T on transcript NM_002968.3 (MANE Select); coding-DNA position 3270, C replaced by T.
Protein change: p.Asn1090=; no amino-acid change (asparagine 1090 retained).
Molecular consequence: synonymous variant.
Genome position (GRCh38, 1-based): chr16:51,138,952, G>A on the plus strand (C>T on the coding strand, the complement: SALL1 is on the minus strand). VCF-style: chr16-51138952-G-A. GRCh37 (hg19) VCF-style: chr16-51172863-G-A.
Other names: c.2979C>T, p.Asn993= (NM_001127892.2).
Identifiers: ClinVar variation 593466 (VCV000593466.34), dbSNP rs143637930, ClinGen allele CA8052964.
Genomic context (GRCh38, chr16:51,138,952, plus strand): 5'-AGACGGGACGTGACTGGTGGGGGTGTCCTTACTGTCCTGAGGAGAAACATGCACGAAGCC[G>A]TTGACCTCTGTCTTGATGAGAGATGACAACGAGTTGGCGGGAATCACCGCTGAGTTCTGA-3'
Protein context (NP_002959.2, residues 1080-1100): SLSSLIKTEV[Asn1090=]GFVHVSPQDS